The following is an entry in ClinVar:

ClinVar aggregate classification (germline): Uncertain significance (1 of 4 stars; one submission).

Conditions:
Leukocyte adhesion deficiency 3. Also called: INTEGRIN ACTIVATION DEFICIENCY DISEASE; LEUKOCYTE ADHESION DEFICIENCY 1 VARIANT; Leukocyte adhesion deficiency, type III. Identifiers: Orphanet 2968, Orphanet 99844, MedGen C2748536, MONDO:0013016, OMIM 612840.

Allele frequency attached by ClinVar (database versions not stated): gnomAD 0.00002; TOPMed 0.00002; gnomAD exomes 0.00001 and 0.00003; ExAC 0.00003.
gnomAD v4.1: 21 of 1,613,520 alleles (0.0013%); highest among the groups gnomAD compares: Admixed American, 0.0033%; no homozygotes.

Submission:

Labcorp Genetics (formerly Invitae), Labcorp
Classification: Uncertain significance for Leukocyte adhesion deficiency 3. Last evaluated: 2022-06-26. Review status: criteria provided, single submitter. Criteria: Invitae Variant Classification Sherloc (09022015). Collection method: clinical testing. Allele origin: germline.
Comment: This sequence change replaces threonine, which is neutral and polar, with methionine, which is neutral and non-polar, at codon 639 of the FERMT3 protein (p.Thr639Met). This variant is present in population databases (rs765844365, gnomAD 0.009%). This variant has not been reported in the literature in individuals affected with FERMT3-related conditions. Algorithms developed to predict the effect of missense changes on protein structure and function are either unavailable or do not agree on the potential impact of this missense change (SIFT: "Tolerated"; PolyPhen-2: "Possibly Damaging"; Align-GVGD: "Class C0"). In summary, the available evidence is currently insufficient to determine the role of this variant in disease. Therefore, it has been classified as a Variant of Uncertain Significance.

NM_031471.6(FERMT3):c.1916C>T (p.Thr639Met)

Gene: FERMT3 (FERM domain containing kindlin 3; plus strand). Cytogenetic location: 11q13.1.
Variant type: single nucleotide variant.
Coding change: c.1916C>T on transcript NM_031471.6 (MANE Select); coding-DNA position 1916, C replaced by T.
Protein change: p.Thr639Met; replaces threonine 639 with methionine.
Molecular consequence: missense variant.
Genome position (GRCh38, 1-based): chr11:64,223,416, C>T. VCF-style: chr11-64223416-C-T. GRCh37 (hg19) VCF-style: chr11-63990888-C-T.
Other names: c.1916C>T, p.Thr639Met (NM_001382361.1, NM_001382448.1); c.1928C>T, p.Thr643Met (NM_001382362.1, NM_178443.3); c.1376C>T, p.Thr459Met (NM_001382363.1); c.1388C>T, p.Thr463Met (NM_001382364.1); short protein forms T459M, T643M, T639M, T463M.
Identifiers: ClinVar variation 1482505 (VCV001482505.3), dbSNP rs765844365, ClinGen allele CA6069320.
Genomic context (GRCh38, chr11:64,223,416, plus strand): 5'-GCGTGTCTGCCAGCTGCCGAATTGTACACGAGTATATCGGGGGCTACATTTTCCTGTCGA[C>T]GCGGGAGCGGGCCCGTGGGGAGGAGCTGGATGAAGACCTCTTCCTGCAGCTCACCGGGGG-3'
Protein context (NP_113659.3, residues 629-649): EYIGGYIFLS[Thr639Met]RERARGEELD